The following is an entry in ClinVar:

NM_001163278.2(TENM1):c.2669G>C (p.Arg890Pro)

Gene: TENM1 (teneurin transmembrane protein 1; minus strand). Cytogenetic location: Xq25.
Variant type: single nucleotide variant.
Coding change: c.2669G>C on transcript NM_001163278.2 (MANE Select); coding-DNA position 2669, G replaced by C.
Protein change: p.Arg890Pro; replaces arginine 890 with proline.
Molecular consequence: missense variant.
Genome position (GRCh38, 1-based): chrX:124,529,966, C>G on the plus strand (G>C on the coding strand, the complement: TENM1 is on the minus strand). VCF-style: chrX-124529966-C-G. GRCh37 (hg19) VCF-style: chrX-123663816-C-G.
Other names: c.2666G>C, p.Arg889Pro (NM_001163279.1); c.2669G>C, p.Arg890Pro (NM_014253.3); short protein forms R889P, R890P.
Identifiers: ClinVar variation 3026796 (VCV003026796.22), dbSNP rs2148070347, ClinGen allele CA414284809.
Genomic context (GRCh38, chrX:124,529,966, plus strand): 5'-TGCAAGAAACTGACATTCACTCCCACTAGAGGAGTTCCATCTATGGCCACCACTTGGCCT[C>G]GAATCACACAGGCACGCCTGCAACACAAGACCAAAGGCAAACAGAAAAGCATGTTGAGAC-3'
Protein context (NP_001156750.1, residues 880-900): SFDSRRACVI[Arg890Pro]GQVVAIDGTP

ClinVar aggregate classification (germline): Uncertain significance (1 of 4 stars; one submission).

Submission:

CeGaT Center for Human Genetics Tuebingen
Classification: Uncertain significance. Last evaluated: 2024-01-01. Review status: criteria provided, single submitter. Criteria: CeGaT Center For Human Genetics Tuebingen Variant Classification Criteria Version 2. Collection method: clinical testing. Allele origin: germline. Affected: yes. Observed: 1 variant allele.
Comment: TENM1: PM2